The following is an entry in ClinVar:

ClinVar aggregate classification (germline): Uncertain significance. Review status: criteria provided, multiple submitters, no conflicts (2 of 4 stars). 2 submissions from 2 submitters: Uncertain significance (2). Last evaluated 2025-02-28.

Conditions:
Inborn genetic diseases. Identifiers: MedGen C0950123, MeSH D030342.

Allele frequency attached by ClinVar (database versions not stated): ExAC 0.00001; gnomAD exomes 0.00001; gnomAD 0.00003; TOPMed 0.00003; ESP Exome Variant Server 0.00008.
gnomAD v4.1: 28 of 1,612,186 alleles (0.0017%); highest among the groups gnomAD compares: African/African-American, 0.0027%; no homozygotes.

Submissions (2):

Ambry Genetics
Classification: Uncertain significance for Inborn genetic diseases. Last evaluated: 2025-02-28. Review status: criteria provided, single submitter. Criteria: Ambry Variant Classification Scheme 2023. Collection method: clinical testing. Allele origin: germline.

Labcorp Genetics (formerly Invitae), Labcorp
Classification: Uncertain significance. Last evaluated: 2022-10-17. Review status: criteria provided, single submitter. Criteria: Invitae Variant Classification Sherloc (09022015). Collection method: clinical testing. Allele origin: germline.
Comment: This sequence change replaces alanine, which is neutral and non-polar, with threonine, which is neutral and polar, at codon 299 of the PKDCC protein (p.Ala299Thr). The frequency data for this variant in the population databases is considered unreliable, as metrics indicate poor data quality at this position in the gnomAD database. This variant has not been reported in the literature in individuals affected with PKDCC-related conditions. ClinVar contains an entry for this variant (Variation ID: 1408618). Algorithms developed to predict the effect of missense changes on protein structure and function (SIFT, PolyPhen-2, Align-GVGD) all suggest that this variant is likely to be disruptive. In summary, the available evidence is currently insufficient to determine the role of this variant in disease. Therefore, it has been classified as a Variant of Uncertain Significance.

NM_138370.3(PKDCC):c.895G>A (p.Ala299Thr)

Gene: PKDCC (protein kinase domain containing, cytoplasmic; plus strand). Cytogenetic location: 2p21.
Variant type: single nucleotide variant.
Coding change: c.895G>A on transcript NM_138370.3 (MANE Select); coding-DNA position 895, G replaced by A.
Protein change: p.Ala299Thr; replaces alanine 299 with threonine.
Molecular consequence: missense variant.
Genome position (GRCh38, 1-based): chr2:42,054,168, G>A. VCF-style: chr2-42054168-G-A. GRCh37 (hg19) VCF-style: chr2-42281308-G-A.
Other names: c.895G>A (NM_138370.2); short protein forms A299T.
Identifiers: ClinVar variation 1408618 (VCV001408618.8), dbSNP rs368270876, ClinGen allele CA1628052.